The following is an entry in ClinVar:

NM_003072.5(SMARCA4):c.2372C>T (p.Ala791Val)

Gene: SMARCA4 (SWI/SNF related BAF chromatin remodeling complex subunit ATPase 4; plus strand). Cytogenetic location: 19p13.2.
Variant type: single nucleotide variant.
Coding change: c.2372C>T on transcript NM_003072.5 (MANE Select); coding-DNA position 2372, C replaced by T.
Protein change: p.Ala791Val; replaces alanine 791 with valine.
Molecular consequence: missense variant. On other transcripts: non-coding transcript variant (1).
Genome position (GRCh38, 1-based): chr19:11,013,046, C>T. VCF-style: chr19-11013046-C-T. GRCh37 (hg19) VCF-style: chr19-11123722-C-T.
Other names: c.2372C>T, p.Ala791Val (NM_001128844.3, NM_001128845.2, NM_001128846.2 and 4 more transcripts); short protein forms A791V.
Identifiers: ClinVar variation 955941 (VCV000955941.10), dbSNP rs1263140481, ClinGen allele CA404053218.

ClinVar aggregate classification (germline): Uncertain significance. Review status: criteria provided, multiple submitters, no conflicts (2 of 4 stars). 2 submissions from 2 submitters: Uncertain significance (2). Last evaluated 2026-07-15.

Conditions:
Rhabdoid tumor predisposition syndrome 2 (RTPS2). Identifiers: Orphanet 231108, Orphanet 69077, MedGen C2750074, MONDO:0013224, OMIM 613325.
Hereditary cancer-predisposing syndrome. Also called: Neoplastic Syndromes, Hereditary; Hereditary Cancer Syndrome; Tumor predisposition; Hereditary neoplastic syndrome. Identifiers: Orphanet 140162, MedGen C0027672, MeSH D009386, MONDO:0015356.

Allele frequency attached by ClinVar (database versions not stated): gnomAD exomes below 0.00001.
gnomAD v4.1: 1 of 1,614,122 alleles (0.000062%); highest among the groups gnomAD compares: East Asian, 0.0022%; no homozygotes.

Submissions (2):

Ambry Genetics
Classification: Uncertain significance for Hereditary cancer-predisposing syndrome. Last evaluated: 2026-07-15. Review status: criteria provided, single submitter. Criteria: Ambry Variant Classification Scheme 2023. Collection method: clinical testing. Allele origin: germline.
Comment: The p.A791V variant (also known as c.2372C>T), located in coding exon 15 of the SMARCA4 gene, results from a C to T substitution at nucleotide position 2372. The alanine at codon 791 is replaced by valine, an amino acid with similar properties. This amino acid position is well conserved in available vertebrate species. In addition, this alteration is predicted to be deleterious by in silico analysis. Based on the available evidence, the clinical significance of this variant remains unclear.

Labcorp Genetics (formerly Invitae), Labcorp
Classification: Uncertain significance for Rhabdoid tumor predisposition syndrome 2. Last evaluated: 2025-07-31. Review status: criteria provided, single submitter. Criteria: Invitae Variant Classification Sherloc (09022015). Collection method: clinical testing. Allele origin: germline.
Comment: This sequence change replaces alanine, which is neutral and non-polar, with valine, which is neutral and non-polar, at codon 791 of the SMARCA4 protein (p.Ala791Val). This variant is present in population databases (no rsID available, gnomAD 0.006%). This variant has not been reported in the literature in individuals affected with SMARCA4-related conditions. ClinVar contains an entry for this variant (Variation ID: 955941). Invitae Evidence Modeling of protein sequence and biophysical properties (such as structural, functional, and spatial information, amino acid conservation, physicochemical variation, residue mobility, and thermodynamic stability) indicates that this missense variant is expected to disrupt SMARCA4 protein function with a positive predictive value of 95%. In summary, the available evidence is currently insufficient to determine the role of this variant in disease. Therefore, it has been classified as a Variant of Uncertain Significance.